The following is an entry in ClinVar:

ClinVar aggregate classification (germline): Benign (0 of 4 stars; one submission).

Conditions:
PTPRU-related disorder. Also called: PTPRU-related condition.

Allele frequency attached by ClinVar (database versions not stated): gnomAD exomes 0.00318; ExAC 0.01033; gnomAD 0.03013; 1000 Genomes Project 0.03315; TOPMed 0.03413; 1000 Genomes Project 30x 0.03576; ESP Exome Variant Server 0.03670.
gnomAD v4.1: 9,463 of 1,611,670 alleles (0.59%); highest among the groups gnomAD compares: African/African-American, 10%; 474 homozygotes.

Submission:

PreventionGenetics, part of Exact Sciences
Classification: Benign for PTPRU-related condition. Last evaluated: 2019-09-04. Review status: no assertion criteria provided. Collection method: clinical testing. Allele origin: germline.
Comment: This variant is classified as benign based on ACMG/AMP sequence variant interpretation guidelines (Richards et al. 2015 PMID: 25741868, with internal and published modifications).

NM_133178.4(PTPRU):c.2497G>T (p.Val833Phe)

Gene: PTPRU (protein tyrosine phosphatase receptor type U; plus strand). Cytogenetic location: 1p35.3.
Variant type: single nucleotide variant.
Coding change: c.2497G>T on transcript NM_133178.4 (MANE Select); coding-DNA position 2497, G replaced by T.
Protein change: p.Val833Phe; replaces valine 833 with phenylalanine.
Molecular consequence: missense variant.
Genome position (GRCh38, 1-based): chr1:29,303,875, G>T. VCF-style: chr1-29303875-G-T. GRCh37 (hg19) VCF-style: chr1-29630387-G-T.
Other names: c.2497G>T, p.Val833Phe (NM_001195001.2, NM_133177.4); c.2527G>T, p.Val843Phe (NM_005704.5); short protein forms V833F, V843F.
Identifiers: ClinVar variation 3039718 (VCV003039718.2), dbSNP rs61729921, ClinGen allele CA726699.